The following is an entry in ClinVar:

NM_000140.5(FECH):c.205dup (p.Thr69fs)

Gene: FECH (ferrochelatase; minus strand). Cytogenetic location: 18q21.31.
Variant type: Duplication.
Coding change: c.205dup on transcript NM_000140.5 (MANE Select); coding-DNA position 205, one base duplicated (A; older notation c.205dupA).
Protein change: p.Thr69fs; shifts the reading frame from threonine 69.
Molecular consequence: frameshift variant. On other transcripts: 5 prime UTR variant (1).
Genome position (GRCh38, 1-based): chr18:57,573,355, T duplicated on the plus strand (A on the coding strand, the reverse complement: FECH is on the minus strand); the first of 4 consecutive T bases (chr18:57,573,355-57,573,358); duplicating any one gives the same sequence. VCF-style (leftmost placement, unchanged base first): chr18-57573354-G-GT. GRCh37 (hg19) VCF-style: chr18-55240586-G-GT.
Other names: c.223dup, p.Thr75fs (NM_001012515.4); c.205dup, p.Thr69fs (NM_001371094.1, NM_001374778.1); c.-12dup (NM_001371095.1); short protein forms T69fs, T75fs.
Identifiers: ClinVar variation 3255565 (VCV003255565.3).

ClinVar aggregate classification (germline): Pathogenic. Review status: criteria provided, multiple submitters, no conflicts (2 of 4 stars). 2 submissions from 2 submitters: Pathogenic (2). Last evaluated 2025-08-11.

Conditions:
Protoporphyria, erythropoietic, 1 (EPP1). Also called: FERROCHELATASE DEFICIENCY; HEME SYNTHETASE DEFICIENCY; Erythropoietic Protoporphyria, Autosomal Recessive. Identifiers: Orphanet 79278, MedGen C4692546, MONDO:0008319, OMIM 177000.

Submissions (2):

Labcorp Genetics (formerly Invitae), Labcorp
Classification: Pathogenic. Last evaluated: 2025-08-11. Review status: criteria provided, single submitter. Criteria: Invitae Variant Classification Sherloc (09022015). Collection method: clinical testing. Allele origin: germline.
Comment: This sequence change creates a premature translational stop signal (p.Thr69Asnfs*12) in the FECH gene. It is expected to result in an absent or disrupted protein product. Loss-of-function variants in FECH are known to be pathogenic (PMID: 20105171, 23016163, 23364466). This variant is not present in population databases (gnomAD no frequency). This premature translational stop signal has been observed in individual(s) with erythropoietic protoporphyria (PMID: 9347801). ClinVar contains an entry for this variant (Variation ID: 3255565). For these reasons, this variant has been classified as Pathogenic.

Department of Human Genetics, Hannover Medical School
Classification: Pathogenic for Protoporphyria, erythropoietic, 1. Last evaluated: 2024-07-30. Review status: criteria provided, single submitter. Criteria: ACMG Guidelines, 2015. Collection method: clinical testing. Allele origin: germline. Inheritance: Autosomal recessive inheritance. Affected: yes.

Literature cited by the submitters: PubMed 20105171 (cited by Labcorp Genetics (formerly Invitae), Labcorp); PubMed 23016163 (cited by Labcorp Genetics (formerly Invitae), Labcorp); PubMed 23364466 (cited by Labcorp Genetics (formerly Invitae), Labcorp); PubMed 9347801 (cited by Labcorp Genetics (formerly Invitae), Labcorp).